The following is an entry in ClinVar:

ClinVar aggregate classification (germline): Uncertain significance (1 of 4 stars; one submission).

Conditions:
Hereditary cancer-predisposing syndrome. Also called: Tumor predisposition; Hereditary Cancer Syndrome; Neoplastic Syndromes, Hereditary; Hereditary neoplastic syndrome. Identifiers: Orphanet 140162, MedGen C0027672, MeSH D009386, MONDO:0015356.

Submission:

Ambry Genetics
Classification: Uncertain significance for Hereditary cancer-predisposing syndrome. Last evaluated: 2017-11-28. Review status: criteria provided, single submitter. Criteria: Ambry Variant Classification Scheme 2023. Collection method: clinical testing. Allele origin: germline.
Comment: The p.I887N variant (also known as c.2660T>A), located in coding exon 7 of the PALB2 gene, results from a T to A substitution at nucleotide position 2660. The isoleucine at codon 887 is replaced by asparagine, an amino acid with dissimilar properties. This amino acid position is highly conserved through mammals but not in all available vertebrate species. In addition, the in silico prediction for this alteration is inconclusive. Since supporting evidence is limited at this time, the clinical significance of this alteration remains unclear.

NM_024675.4(PALB2):c.2660T>A (p.Ile887Asn)

Gene: PALB2 (partner and localizer of BRCA2; minus strand). Cytogenetic location: 16p12.2.
Variant type: single nucleotide variant.
Coding change: c.2660T>A on transcript NM_024675.4 (MANE Select); coding-DNA position 2660, T replaced by A.
Protein change: p.Ile887Asn; replaces isoleucine 887 with asparagine.
Molecular consequence: missense variant.
Genome position (GRCh38, 1-based): chr16:23,626,324, A>T on the plus strand (T>A on the coding strand, the complement: PALB2 is on the minus strand). VCF-style: chr16-23626324-A-T. GRCh37 (hg19) VCF-style: chr16-23637645-A-T.
Other names: c.194T>A, p.Ile65Asn (NM_001407314.1); c.2600T>A, p.Ile867Asn (NM_001407296.1); c.2588T>A, p.Ile863Asn (NM_001407297.1); c.2660T>A, p.Ile887Asn (NM_001407299.1, NM_001407300.1, NM_001407301.1); c.1775T>A, p.Ile592Asn (NM_001407304.1, NM_001407305.1, NM_001407306.1 and 4 more transcripts); c.872T>A, p.Ile291Asn (NM_001407312.1, NM_001407313.1); short protein forms I291N, I592N, I65N, I863N, I867N, I887N.
Identifiers: ClinVar variation 1794445 (VCV001794445.2), dbSNP rs45550935, ClinGen allele CA395122091.